The following is an entry in ClinVar:

ClinVar aggregate classification (germline): Uncertain significance (1 of 4 stars; one submission).

Conditions:
Ataxia-telangiectasia syndrome (AT). Also called: LOUIS-BAR SYNDROME; Ataxia-telangiectasia; Cerebello-oculocutaneous telangiectasia; Immunodeficiency with ataxia telangiectasia; ATAXIA-TELANGIECTASIA, COMPLEMENTATION GROUP A; ATAXIA-TELANGIECTASIA, FRESNO VARIANT. Identifiers: Orphanet 100, MedGen C0004135, MONDO:0008840, OMIM 208900.

Allele frequency attached by ClinVar (database versions not stated): gnomAD exomes below 0.00001.
gnomAD v4.1: 1 of 1,613,690 alleles (0.000062%); highest among the groups gnomAD compares: Non-Finnish European, 0.000085%; no homozygotes.

Submission:

Labcorp Genetics (formerly Invitae), Labcorp
Classification: Uncertain significance for Ataxia-telangiectasia syndrome. Last evaluated: 2021-02-26. Review status: criteria provided, single submitter. Criteria: Invitae Variant Classification Sherloc (09022015). Collection method: clinical testing. Allele origin: germline.
Comment: In summary, the available evidence is currently insufficient to determine the role of this variant in disease. Therefore, it has been classified as a Variant of Uncertain Significance. Advanced modeling of protein sequence and biophysical properties (such as structural, functional, and spatial information, amino acid conservation, physicochemical variation, residue mobility, and thermodynamic stability) performed at Invitae indicates that this missense variant is not expected to disrupt ATM protein function. This variant has not been reported in the literature in individuals with ATM-related conditions. This variant is not present in population databases (ExAC no frequency). This sequence change replaces glycine with arginine at codon 1642 of the ATM protein (p.Gly1642Arg). The glycine residue is weakly conserved and there is a moderate physicochemical difference between glycine and arginine.

NM_000051.4(ATM):c.4924G>A (p.Gly1642Arg)

Gene: ATM (ATM serine/threonine kinase; plus strand). Cytogenetic location: 11q22.3.
Variant type: single nucleotide variant.
Coding change: c.4924G>A on transcript NM_000051.4 (MANE Select); coding-DNA position 4924, G replaced by A.
Protein change: p.Gly1642Arg; replaces glycine 1642 with arginine.
Molecular consequence: missense variant.
Genome position (GRCh38, 1-based): chr11:108,297,301, G>A. VCF-style: chr11-108297301-G-A. GRCh37 (hg19) VCF-style: chr11-108168028-G-A.
Other names: c.4924G>A, p.Gly1642Arg (NM_001351834.2); short protein forms G1642R.
Identifiers: ClinVar variation 1489506 (VCV001489506.8), dbSNP rs2135861446, ClinGen allele CA382538067.
Genomic context (GRCh38, chr11:108,297,301, plus strand): 5'-TTGTCTTCATGCTAGTTTAAACTAATTTTTAAAAAATTATTTCTAGATAATCCGCAAGAT[G>A]GGATTATGGTGAAACTAGTTGTCAATTTGTTGCAGTTATCCAAGATGGCAATAAACCACA-3'
Protein context (NP_000042.3, residues 1632-1652): MRASQDNPQD[Gly1642Arg]IMVKLVVNLL